The following is an entry in ClinVar:

ClinVar aggregate classification (germline): Uncertain significance. Review status: criteria provided, multiple submitters, no conflicts (2 of 4 stars). 3 submissions from 3 submitters: Uncertain significance (3). Last evaluated 2026-06-11.

Conditions:
Inborn genetic diseases. Identifiers: MedGen C0950123, MeSH D030342.
Cerebral creatine deficiency syndrome. Also called: Creatine deficiency syndromes. Identifiers: Orphanet 79172, MedGen C5244016, MONDO:0000456.

Submissions (3):

Ambry Genetics
Classification: Uncertain significance for Inborn genetic diseases. Last evaluated: 2026-06-11. Review status: criteria provided, single submitter. Criteria: Ambry Variant Classification Scheme 2023. Collection method: clinical testing. Allele origin: germline.

Labcorp Genetics (formerly Invitae), Labcorp
Classification: Uncertain significance for Cerebral creatine deficiency syndrome. Last evaluated: 2022-07-17. Review status: criteria provided, single submitter. Criteria: Invitae Variant Classification Sherloc (09022015). Collection method: clinical testing. Allele origin: germline.
Comment: This sequence change replaces leucine, which is neutral and non-polar, with phenylalanine, which is neutral and non-polar, at codon 99 of the GAMT protein (p.Leu99Phe). This variant is not present in population databases (gnomAD no frequency). This variant has not been reported in the literature in individuals affected with GAMT-related conditions. ClinVar contains an entry for this variant (Variation ID: 426381). Algorithms developed to predict the effect of missense changes on protein structure and function are either unavailable or do not agree on the potential impact of this missense change (SIFT: "Deleterious"; PolyPhen-2: "Probably Damaging"; Align-GVGD: "Class C0"). In summary, the available evidence is currently insufficient to determine the role of this variant in disease. Therefore, it has been classified as a Variant of Uncertain Significance.

GeneDx
Classification: Uncertain significance. Last evaluated: 2017-04-19. Review status: criteria provided, single submitter. Criteria: GeneDx Variant Classification (06012015). Collection method: clinical testing. Allele origin: germline. Affected: yes.
Comment: A variant of uncertain significance has been identified in the GAMT gene. The L99F variant has not been published as a pathogenic variant, nor has it been reported as a benign variant to our knowledge. The L99F variant is not observed in large population cohorts (Lek et al., 2016; 1000 Genomes Consortium et al., 2015; Exome Variant Server). This substitution occurs at a position that is conserved across species. However, the L99F variant is a conservative amino acid substitution, which is not likely to impact secondary protein structure as these residues share similar properties. In silico analysis is inconsistent in its predictions as to whether or not the variant is damaging to the protein structure/function. Therefore, based on the currently available information, it is unclear whether this variant is a pathogenic variant or a rare benign variant.

NM_000156.6(GAMT):c.295C>T (p.Leu99Phe)

Gene: GAMT (guanidinoacetate N-methyltransferase; minus strand). Cytogenetic location: 19p13.3.
Variant type: single nucleotide variant.
Coding change: c.295C>T on transcript NM_000156.6 (MANE Select); coding-DNA position 295, C replaced by T.
Protein change: p.Leu99Phe; replaces leucine 99 with phenylalanine.
Molecular consequence: missense variant.
Genome position (GRCh38, 1-based): chr19:1,399,825, G>A on the plus strand (C>T on the coding strand, the complement: GAMT is on the minus strand). VCF-style: chr19-1399825-G-A. GRCh37 (hg19) VCF-style: chr19-1399824-G-A.
Other names: c.295C>T, p.Leu99Phe (NM_138924.3); c.295C>T (NM_000156.5); short protein forms L99F.
Identifiers: ClinVar variation 426381 (VCV000426381.6), dbSNP rs1085307596, ClinGen allele CA402996261.
Genomic context (GRCh38, chr19:1,399,825, plus strand): 5'-CCTGGAGGGCCTGCGGGCAGAGGGGCACCTTGTGTGTCTGCCGTGGGGCCCAGTCCCGGA[G>A]CCGCTGGAAGACGCCGTCATTGCACTCGATGATCCAATGCTCATCAATGGGCGCCTCCTG-3'
Protein context (NP_000147.1, residues 89-109): IECNDGVFQR[Leu99Phe]RDWAPRQTHK